The following is an entry in ClinVar:

NM_005612.5(REST):c.2688A>G (p.Lys896=)

Gene: REST (RE1 silencing transcription factor; plus strand). Cytogenetic location: 4q12.
Variant type: single nucleotide variant.
Coding change: c.2688A>G on transcript NM_005612.5 (MANE Select); coding-DNA position 2688, A replaced by G.
Protein change: p.Lys896=; no amino-acid change (lysine 896 retained).
Molecular consequence: synonymous variant.
Genome position (GRCh38, 1-based): chr4:56,931,546, A>G. VCF-style: chr4-56931546-A-G. GRCh37 (hg19) VCF-style: chr4-57797712-A-G.
Other names: c.2688A>G, p.Lys896= (NM_001193508.2, NM_001363453.3).
Identifiers: ClinVar variation 3257435 (VCV003257435.17).

ClinVar aggregate classification (germline): Likely benign (1 of 4 stars; one submission).

Submission:

CeGaT Center for Human Genetics Tuebingen
Classification: Likely benign. Last evaluated: 2024-07-01. Review status: criteria provided, single submitter. Criteria: CeGaT Center For Human Genetics Tuebingen Variant Classification Criteria Version 2. Collection method: clinical testing. Allele origin: germline. Affected: yes. Observed: 1 variant allele.
Comment: REST: PM2:Supporting, BP4, BP7